The following is an entry in ClinVar:

NM_019098.5(CNGB3):c.1929-6_1929-5delinsAA

Gene: CNGB3 (cyclic nucleotide gated channel subunit beta 3; minus strand). Cytogenetic location: 8q21.3.
Variant type: Indel.
Coding change: c.1929-6_1929-5delinsAA on transcript NM_019098.5 (MANE Select); 6 bases into the intron before coding-DNA position 1929 through 5 bases into the intron before coding-DNA position 1929, CC replaced by AA.
Molecular consequence: intron variant.
Genome position (GRCh38, 1-based): chr8:86,578,868-86,578,869, GG replaced by TT on the plus strand (CC replaced by AA on the coding strand, the reverse complement: CNGB3 is on the minus strand). VCF-style: chr8-86578868-GG-TT. GRCh37 (hg19) VCF-style: chr8-87591096-GG-TT.
Identifiers: ClinVar variation 1475840 (VCV001475840.5), dbSNP rs2131532283, ClinGen allele CA2573143514.

ClinVar aggregate classification (germline): Uncertain significance (1 of 4 stars; one submission).

Submission:

Labcorp Genetics (formerly Invitae), Labcorp
Classification: Uncertain significance. Last evaluated: 2021-09-01. Review status: criteria provided, single submitter. Criteria: Invitae Variant Classification Sherloc (09022015). Collection method: clinical testing. Allele origin: germline.
Comment: This sequence change falls in intron 16 of the CNGB3 gene. It does not directly change the encoded amino acid sequence of the CNGB3 protein. The frequency data for this variant in the population databases is not available, as this variant may be reported as separate entries in the ExAC database. This variant has not been reported in the literature in individuals affected with CNGB3-related conditions. Algorithms developed to predict the effect of sequence changes on RNA splicing suggest that this variant may disrupt the consensus splice site. In summary, the available evidence is currently insufficient to determine the role of this variant in disease. Therefore, it has been classified as a Variant of Uncertain Significance.